The following is an entry in ClinVar:

NM_003737.4(DCHS1):c.7843A>G (p.Thr2615Ala)

Gene: DCHS1 (dachsous cadherin-related 1; minus strand). Cytogenetic location: 11p15.4.
Variant type: single nucleotide variant.
Coding change: c.7843A>G on transcript NM_003737.4 (MANE Select); coding-DNA position 7843, A replaced by G.
Protein change: p.Thr2615Ala; replaces threonine 2615 with alanine.
Molecular consequence: missense variant.
Genome position (GRCh38, 1-based): chr11:6,623,833, T>C on the plus strand (A>G on the coding strand, the complement: DCHS1 is on the minus strand). VCF-style: chr11-6623833-T-C. GRCh37 (hg19) VCF-style: chr11-6645064-T-C.
Other names: c.7843A>G (NM_003737.2); short protein forms T2615A.
Identifiers: ClinVar variation 2988511 (VCV002988511.4), dbSNP rs748254730, ClinGen allele CA5859532.

ClinVar aggregate classification (germline): Uncertain significance. Review status: criteria provided, multiple submitters, no conflicts (2 of 4 stars). 2 submissions from 2 submitters: Uncertain significance (2). Last evaluated 2025-06-29.

Conditions:
Inborn genetic diseases. Identifiers: MedGen C0950123, MeSH D030342.

Allele frequency attached by ClinVar (database versions not stated): ExAC 0.00001; gnomAD exomes 0.00001; TOPMed 0.00001.
gnomAD v4.1: 9 of 1,613,296 alleles (0.00056%); highest among the groups gnomAD compares: Admixed American, 0.0083%; no homozygotes.

Submissions (2):

Ambry Genetics
Classification: Uncertain significance for Inborn genetic diseases. Last evaluated: 2025-06-29. Review status: criteria provided, single submitter. Criteria: Ambry Variant Classification Scheme 2023. Collection method: clinical testing. Allele origin: germline.

Labcorp Genetics (formerly Invitae), Labcorp
Classification: Uncertain significance. Last evaluated: 2023-06-30. Review status: criteria provided, single submitter. Criteria: Invitae Variant Classification Sherloc (09022015). Collection method: clinical testing. Allele origin: germline.
Comment: In summary, the available evidence is currently insufficient to determine the role of this variant in disease. Therefore, it has been classified as a Variant of Uncertain Significance. Advanced modeling of protein sequence and biophysical properties (such as structural, functional, and spatial information, amino acid conservation, physicochemical variation, residue mobility, and thermodynamic stability) performed at Invitae indicates that this missense variant is not expected to disrupt DCHS1 protein function. This variant has not been reported in the literature in individuals affected with DCHS1-related conditions. This variant is present in population databases (rs748254730, gnomAD 0.01%). This sequence change replaces threonine, which is neutral and polar, with alanine, which is neutral and non-polar, at codon 2615 of the DCHS1 protein (p.Thr2615Ala).